The following is an entry in ClinVar:

NM_198391.3(FLRT3):c.1112C>T (p.Pro371Leu)

Genes: FLRT3 (fibronectin leucine rich transmembrane protein 3; minus strand), MACROD2 (mono-ADP ribosylhydrolase 2; plus strand). Cytogenetic location: 20p12.1.
Variant type: single nucleotide variant.
Coding change: c.1112C>T on transcript NM_198391.3 (MANE Select); coding-DNA position 1112, C replaced by T.
Protein change: p.Pro371Leu; replaces proline 371 with leucine.
Molecular consequence: missense variant. On other transcripts: intron variant (3).
Genome position (GRCh38, 1-based): chr20:14,326,395, G>A on the plus strand (C>T on the coding strand, the complement: FLRT3 is on the minus strand). VCF-style: chr20-14326395-G-A. GRCh37 (hg19) VCF-style: chr20-14307041-G-A.
Other names: c.1112C>T, p.Pro371Leu (NM_013281.4); c.272-167084G>A (NM_001351661.2, NM_001351663.2, NM_080676.6); short protein forms P371L.
Identifiers: ClinVar variation 2135252 (VCV002135252.4), dbSNP rs2514830075, ClinGen allele CA408296484.

ClinVar aggregate classification (germline): Uncertain significance (1 of 4 stars; one submission).

Submission:

Labcorp Genetics (formerly Invitae), Labcorp
Classification: Uncertain significance. Last evaluated: 2022-07-14. Review status: criteria provided, single submitter. Criteria: Invitae Variant Classification Sherloc (09022015). Collection method: clinical testing. Allele origin: germline.
Comment: Algorithms developed to predict the effect of missense changes on protein structure and function (SIFT, PolyPhen-2, Align-GVGD) all suggest that this variant is likely to be tolerated. This variant has not been reported in the literature in individuals affected with FLRT3-related conditions. This variant is not present in population databases (gnomAD no frequency). This sequence change replaces proline, which is neutral and non-polar, with leucine, which is neutral and non-polar, at codon 371 of the FLRT3 protein (p.Pro371Leu). In summary, the available evidence is currently insufficient to determine the role of this variant in disease. Therefore, it has been classified as a Variant of Uncertain Significance.